The following is an entry in ClinVar:

NM_001145026.2(PTPRQ):c.1622A>G (p.Glu541Gly)

Gene: PTPRQ (protein tyrosine phosphatase receptor type Q; plus strand). Cytogenetic location: 12q21.31.
Variant type: single nucleotide variant.
Coding change: c.1622A>G on transcript NM_001145026.2 (MANE Select); coding-DNA position 1622, A replaced by G.
Protein change: p.Glu541Gly; replaces glutamic acid 541 with glycine.
Molecular consequence: missense variant.
Genome position (GRCh38, 1-based): chr12:80,495,014, A>G. VCF-style: chr12-80495014-A-G. GRCh37 (hg19) VCF-style: chr12-80888793-A-G.
Other names: short protein forms E541G.
Identifiers: ClinVar variation 4985537 (VCV004985537.1).

ClinVar aggregate classification (germline): Likely benign (1 of 4 stars; one submission).

Conditions:
PTPRQ-related disorder. Also called: PTPRQ-related condition.

Submission:

PreventionGenetics, part of Exact Sciences
Classification: Likely benign for PTPRQ-related condition. Last evaluated: 2026-07-09. Review status: criteria provided, single submitter. Criteria: ACMG Guidelines, 2015. Collection method: clinical testing. Allele origin: germline.
Comment: This variant is classified as likely benign based on ACMG/AMP sequence variant interpretation guidelines (Richards et al. 2015 PMID: 25741868, with internal and published modifications).